The following is an entry in ClinVar:

NM_001127898.4(CLCN5):c.682G>C (p.Val228Leu)

Gene: CLCN5 (chloride voltage-gated channel 5; plus strand). Cytogenetic location: Xp11.23.
Variant type: single nucleotide variant.
Coding change: c.682G>C on transcript NM_001127898.4 (MANE Select); coding-DNA position 682, G replaced by C.
Protein change: p.Val228Leu; replaces valine 228 with leucine.
Molecular consequence: missense variant.
Genome position (GRCh38, 1-based): chrX:50,080,672, G>C. VCF-style: chrX-50080672-G-C. GRCh37 (hg19) VCF-style: chrX-49845329-G-C.
Other names: c.472G>C, p.Val158Leu (NM_000084.5); c.682G>C, p.Val228Leu (NM_001127899.4); c.532G>C, p.Val178Leu (NM_001282163.2); c.472G>C (NM_000084.4); short protein forms V228L, V158L, V178L.
Identifiers: ClinVar variation 1395071 (VCV001395071.8), dbSNP rs782217593, ClinGen allele CA413183808.

ClinVar aggregate classification (germline): Uncertain significance. Review status: criteria provided, single submitter (1 of 4 stars). 2 submissions from 2 submitters: Uncertain significance (1). 1 of the submissions does not count toward it. Last evaluated 2024-05-06.

Conditions:
CLCN5-related disorder. Also called: CLCN5-related condition.

Allele frequency attached by ClinVar (database versions not stated): gnomAD 0.00003; TOPMed 0.00003; gnomAD exomes 0.00004.
gnomAD v4.1: 51 of 1,204,472 alleles (0.0042%); highest among the groups gnomAD compares: Non-Finnish European, 0.0055%; no homozygotes.

Submissions (2):

Labcorp Genetics (formerly Invitae), Labcorp
Classification: Uncertain significance. Last evaluated: 2024-05-06. Review status: criteria provided, single submitter. Criteria: Invitae Variant Classification Sherloc (09022015). Collection method: clinical testing. Allele origin: germline.
Comment: This sequence change replaces valine, which is neutral and non-polar, with leucine, which is neutral and non-polar, at codon 158 of the CLCN5 protein (p.Val158Leu). This variant is present in population databases (no rsID available, gnomAD 0.01%). This variant has not been reported in the literature in individuals affected with CLCN5-related conditions. ClinVar contains an entry for this variant (Variation ID: 1395071). An algorithm developed to predict the effect of missense changes on protein structure and function (PolyPhen-2) suggests that this variant is likely to be disruptive. In summary, the available evidence is currently insufficient to determine the role of this variant in disease. Therefore, it has been classified as a Variant of Uncertain Significance.

PreventionGenetics, part of Exact Sciences
Classification: Uncertain significance for CLCN5-related condition. Last evaluated: 2024-04-30. Review status: no assertion criteria provided. Collection method: clinical testing. Allele origin: germline. Not counted in ClinVar's aggregate classification.
Comment: The CLCN5 c.472G>C variant is predicted to result in the amino acid substitution p.Val158Leu. To our knowledge, this variant has not been reported in the literature. This variant is reported in 0.0022% of alleles in individuals of European (Non-Finnish) descent in gnomAD. At this time, the clinical significance of this variant is uncertain due to the absence of conclusive functional and genetic evidence.